The following is an entry in ClinVar:

ClinVar aggregate classification (germline): Uncertain significance. Review status: criteria provided, multiple submitters, no conflicts (2 of 4 stars). 2 submissions from 2 submitters: Uncertain significance (2). Last evaluated 2024-11-20.

Conditions:
Microcephaly-intellectual disability-sensorineural hearing loss-epilepsy-abnormal muscle tone syndrome (NEDHSB). Also called: NEURODEVELOPMENTAL DISORDER WITH HEARING LOSS, SEIZURES, AND BRAIN ABNORMALITIES. Identifiers: Orphanet 457351, MedGen C4225276, MONDO:0014698, OMIM 616577.

Allele frequency attached by ClinVar (database versions not stated): ExAC 0.00001; gnomAD 0.00001; gnomAD exomes 0.00001; TOPMed 0.00001.
gnomAD v4.1: 15 of 1,612,494 alleles (0.00093%); highest among the groups gnomAD compares: Non-Finnish European, 0.0013%; no homozygotes.

Submissions (2):

Blueprint Genetics
Classification: Uncertain significance. Last evaluated: 2024-11-20. Review status: criteria provided, single submitter. Criteria: ACMG Guidelines, 2015. Collection method: clinical testing. Allele origin: germline.

Labcorp Genetics (formerly Invitae), Labcorp
Classification: Uncertain significance for Microcephaly-intellectual disability-sensorineural hearing loss-epilepsy-abnormal muscle tone syndrome. Last evaluated: 2020-04-01. Review status: criteria provided, single submitter. Criteria: Invitae Variant Classification Sherloc (09022015). Collection method: clinical testing. Allele origin: germline.
Comment: In summary, the available evidence is currently insufficient to determine the role of this variant in disease. Therefore, it has been classified as a Variant of Uncertain Significance. Algorithms developed to predict the effect of missense changes on protein structure and function (SIFT, PolyPhen-2, Align-GVGD) all suggest that this variant is likely to be disruptive, but these predictions have not been confirmed by published functional studies and their clinical significance is uncertain. This variant has not been reported in the literature in individuals with SPATA5-related conditions. This variant is present in population databases (rs763477021, ExAC 0.001%). This sequence change replaces threonine with alanine at codon 398 of the SPATA5 protein (p.Thr398Ala). The threonine residue is highly conserved and there is a small physicochemical difference between threonine and alanine.

NM_145207.3(AFG2A):c.1192A>G (p.Thr398Ala)

Gene: AFG2A (AAA ATPase AFG2A; plus strand). Cytogenetic location: 4q28.1.
Variant type: single nucleotide variant.
Coding change: c.1192A>G on transcript NM_145207.3 (MANE Select); coding-DNA position 1192, A replaced by G.
Protein change: p.Thr398Ala; replaces threonine 398 with alanine.
Molecular consequence: missense variant.
Genome position (GRCh38, 1-based): chr4:122,935,758, A>G. VCF-style: chr4-122935758-A-G. GRCh37 (hg19) VCF-style: chr4-123856913-A-G.
Other names: c.1189A>G, p.Thr397Ala (NM_001317799.2, NM_001345856.2); short protein forms T397A, T398A.
Identifiers: ClinVar variation 1058877 (VCV001058877.5), dbSNP rs763477021, ClinGen allele CA3070390.